The following is an entry in ClinVar:

NM_000135.4(FANCA):c.4146G>T (p.Arg1382Ser)

Genes: FANCA (FA complementation group A; minus strand), ZNF276 (zinc finger protein 276; plus strand). Cytogenetic location: 16q24.3.
Variant type: single nucleotide variant.
Coding change: c.4146G>T on transcript NM_000135.4 (MANE Select); coding-DNA position 4146, G replaced by T.
Protein change: p.Arg1382Ser; replaces arginine 1382 with serine.
Molecular consequence: missense variant. On other transcripts: 3 prime UTR variant (2), non-coding transcript variant (4).
Genome position (GRCh38, 1-based): chr16:89,739,154, C>A on the plus strand (G>T on the coding strand, the complement: FANCA is on the minus strand). VCF-style: chr16-89739154-C-A. GRCh37 (hg19) VCF-style: chr16-89805562-C-A.
Other names: c.4146G>T, p.Arg1382Ser (NM_001286167.3); c.*908C>A (NM_001113525.2, NM_152287.4); short protein forms R1382S.
Identifiers: ClinVar variation 4254171 (VCV004254171.1).

ClinVar aggregate classification (germline): Uncertain significance (1 of 4 stars; one submission).

Conditions:
Inborn genetic diseases. Identifiers: MedGen C0950123, MeSH D030342.

gnomAD v4.1: 1 of 1,614,138 alleles (0.000062%); highest among the groups gnomAD compares: Non-Finnish European, 0.000085%; no homozygotes.

Submission:

Ambry Genetics
Classification: Uncertain significance for Inborn genetic diseases. Last evaluated: 2025-07-01. Review status: criteria provided, single submitter. Criteria: Ambry Variant Classification Scheme 2023. Collection method: clinical testing. Allele origin: germline.
Comment: The p.R1382S variant (also known as c.4146G>T), located in coding exon 41 of the FANCA gene, results from a G to T substitution at nucleotide position 4146. The arginine at codon 1382 is replaced by serine, an amino acid with dissimilar properties. This amino acid position is conserved. In addition, this alteration is predicted to be tolerated by in silico analysis. Based on the available evidence, the clinical significance of this variant remains unclear.